The following is an entry in ClinVar:

ClinVar aggregate classification (germline): Pathogenic (1 of 4 stars; one submission).

Submission:

Labcorp Genetics (formerly Invitae), Labcorp
Classification: Pathogenic. Last evaluated: 2022-08-16. Review status: criteria provided, single submitter. Criteria: Invitae Variant Classification Sherloc (09022015). Collection method: clinical testing. Allele origin: germline.
Comment: This variant is not present in population databases (gnomAD no frequency). This sequence change creates a premature translational stop signal (p.Tyr486*) in the LCA5 gene. While this is not anticipated to result in nonsense mediated decay, it is expected to disrupt the last 212 amino acid(s) of the LCA5 protein. This variant has not been reported in the literature in individuals affected with LCA5-related conditions. ClinVar contains an entry for this variant (Variation ID: 1413263). Algorithms developed to predict the effect of sequence changes on RNA splicing suggest that this variant may create or strengthen a splice site. This variant disrupts a region of the LCA5 protein in which other variant(s) (p.Lys586*) have been determined to be pathogenic (PMID: 23946133, 27624628). This suggests that this is a clinically significant region of the protein, and that variants that disrupt it are likely to be disease-causing. For these reasons, this variant has been classified as Pathogenic.

Literature cited by the submitters: PubMed 23946133; PubMed 27624628.

NM_001122769.3(LCA5):c.1458C>G (p.Tyr486Ter)

Gene: LCA5 (lebercilin LCA5; minus strand). Cytogenetic location: 6q14.1.
Variant type: single nucleotide variant.
Coding change: c.1458C>G on transcript NM_001122769.3 (MANE Select); coding-DNA position 1458, C replaced by G.
Protein change: p.Tyr486Ter; replaces tyrosine 486 with a stop codon.
Molecular consequence: nonsense.
Genome position (GRCh38, 1-based): chr6:79,487,640, G>C on the plus strand (C>G on the coding strand, the complement: LCA5 is on the minus strand). VCF-style: chr6-79487640-G-C. GRCh37 (hg19) VCF-style: chr6-80197357-G-C.
Other names: c.1458C>G, p.Tyr486Ter (NM_181714.4); short protein forms Y486*.
Identifiers: ClinVar variation 1413263 (VCV001413263.8), dbSNP rs1769707423, ClinGen allele CA364640739.
Genomic context (GRCh38, chr6:79,487,640, plus strand): 5'-GGGGCTTCTCTCTGGGGAGTGTAGTTTTGATTCAAAATCAGGTAACAATGGCAAAACAGG[G>C]TATTTTAGATTTCGAGAATCTTGGAGTTCTCTGTCAATTTCATTCAGTTTAGCAAGTAGC-3'